The following is an entry in ClinVar:

ClinVar aggregate classification (germline): Uncertain significance (1 of 4 stars; one submission).

Allele frequency attached by ClinVar (database versions not stated): gnomAD 0.00003; gnomAD exomes 0.00003; TOPMed 0.00003.
gnomAD v4.1: 41 of 1,597,398 alleles (0.0026%); highest among the groups gnomAD compares: Non-Finnish European, 0.0032%; 1 homozygote.

Submission:

CeGaT Center for Human Genetics Tuebingen
Classification: Uncertain significance. Last evaluated: 2024-04-01. Review status: criteria provided, single submitter. Criteria: CeGaT Center For Human Genetics Tuebingen Variant Classification Criteria Version 2. Collection method: clinical testing. Allele origin: germline. Affected: yes. Observed: 1 variant allele.
Comment: NR1H4: PM2, BP4

NM_001206979.2(NR1H4):c.80-7329C>T

Gene: NR1H4 (nuclear receptor subfamily 1 group H member 4; plus strand). Cytogenetic location: 12q23.1.
Variant type: single nucleotide variant.
Coding change: c.80-7329C>T on transcript NM_001206979.2 (MANE Select); 7329 bases into the intron before coding-DNA position 80, C replaced by T.
Molecular consequence: intron variant. On other transcripts: missense variant (2).
Genome position (GRCh38, 1-based): chr12:100,503,449, C>T. VCF-style: chr12-100503449-C-T. GRCh37 (hg19) VCF-style: chr12-100897227-C-T.
Other names: c.80-7329C>T (NM_005123.4, NM_001206978.2, NM_001206977.2); c.62C>T, p.Thr21Met (NM_001206992.2, NM_001206993.2); short protein forms T21M.
Identifiers: ClinVar variation 3234521 (VCV003234521.20), dbSNP rs201042707, ClinGen allele CA242353176.